The following is an entry in ClinVar:

NM_000051.4(ATM):c.4746A>G (p.Lys1582=)

Gene: ATM (ATM serine/threonine kinase; plus strand). Cytogenetic location: 11q22.3.
Variant type: single nucleotide variant.
Coding change: c.4746A>G on transcript NM_000051.4 (MANE Select); coding-DNA position 4746, A replaced by G.
Protein change: p.Lys1582=; no amino-acid change (lysine 1582 retained).
Molecular consequence: synonymous variant.
Genome position (GRCh38, 1-based): chr11:108,293,447, A>G. VCF-style: chr11-108293447-A-G. GRCh37 (hg19) VCF-style: chr11-108164174-A-G.
Other names: c.4746A>G, p.Lys1582= (NM_001351834.2).
Identifiers: ClinVar variation 482682 (VCV000482682.15), dbSNP rs1555100593, ClinGen allele CA476674465.

ClinVar aggregate classification (germline): Benign/Likely benign. Review status: criteria provided, multiple submitters, no conflicts (2 of 4 stars). 4 submissions from 4 submitters: Benign (1); Likely benign (3). Last evaluated 2024-05-20.

Conditions:
Hereditary cancer-predisposing syndrome. Also called: Hereditary neoplastic syndrome; Neoplastic Syndromes, Hereditary; Tumor predisposition; Hereditary Cancer Syndrome. Identifiers: Orphanet 140162, MedGen C0027672, MeSH D009386, MONDO:0015356.
Familial cancer of breast. Also called: BREAST CANCER, FAMILIAL; Hereditary breast cancer; hereditary breast carcinoma. Identifiers: Orphanet 227535, MedGen C0346153, MONDO:0016419, OMIM 114480. Disease mechanism: loss of function.
Ataxia-telangiectasia syndrome (AT). Also called: LOUIS-BAR SYNDROME; Cerebello-oculocutaneous telangiectasia; Immunodeficiency with ataxia telangiectasia; AT, COMPLEMENTATION GROUP C; Ataxia-telangiectasia, complementation group D; ATAXIA-TELANGIECTASIA, COMPLEMENTATION GROUP A. Identifiers: Orphanet 100, MedGen C0004135, MONDO:0008840, OMIM 208900.

Allele frequency attached by ClinVar (database versions not stated): gnomAD exomes below 0.00001.
gnomAD v4.1: 2 of 1,612,790 alleles (0.00012%); highest among the groups gnomAD compares: Non-Finnish European, 0.000085%; no homozygotes.

Submissions (4):

Myriad Genetics, Inc.
Classification: Benign for Familial cancer of breast. Last evaluated: 2024-05-20. Review status: criteria provided, single submitter. Criteria: Myriad Autosomal Dominant, Autosomal Recessive and X-Linked Classification Criteria (2023). Collection method: clinical testing. Allele origin: unknown.
Comment: This variant is considered benign. This variant is a silent/synonymous amino acid change and it is not expected to impact splicing.

Labcorp Genetics (formerly Invitae), Labcorp
Classification: Likely benign for Ataxia-telangiectasia syndrome. Last evaluated: 2023-08-30. Review status: criteria provided, single submitter. Criteria: Invitae Variant Classification Sherloc (09022015). Collection method: clinical testing. Allele origin: germline.

GeneDx
Classification: Likely benign. Last evaluated: 2017-03-01. Review status: criteria provided, single submitter. Criteria: GeneDx Variant Classification (06012015). Collection method: clinical testing. Allele origin: germline. Affected: yes.
Comment: This variant is considered likely benign or benign based on one or more of the following criteria: it is a conservative change, it occurs at a poorly conserved position in the protein, it is predicted to be benign by multiple in silico algorithms, and/or has population frequency not consistent with disease.

Ambry Genetics
Classification: Likely benign for Hereditary cancer-predisposing syndrome. Last evaluated: 2017-02-01. Review status: criteria provided, single submitter. Criteria: Ambry Variant Classification Scheme 2023. Collection method: clinical testing. Allele origin: germline.